The following is an entry in ClinVar:

NM_001097577.3(ANG):c.*10C>T

Genes: ANG (angiogenin; plus strand), EGILA (EGFR interacting lncRNA; minus strand), RNASE4 (ribonuclease A family member 4; plus strand). Cytogenetic location: 14q11.2.
Variant type: single nucleotide variant.
Coding change: c.*10C>T on transcript NM_001097577.3 (MANE Select); 10 bases downstream of the stop codon, C replaced by T.
Molecular consequence: 3 prime UTR variant. On other transcripts: intron variant (4).
Genome position (GRCh38, 1-based): chr14:20,694,018, C>T. VCF-style: chr14-20694018-C-T. GRCh37 (hg19) VCF-style: chr14-21162177-C-T.
Other names: c.*10C>T (NM_001145.4, NM_001385271.1, NM_001385272.1 and 2 more transcripts); c.-18+368C>T (NM_001282192.2); c.-17-5337C>T (NM_002937.5, NM_001282193.2); c.-18+5144C>T (NM_194431.3).
Identifiers: ClinVar variation 312778 (VCV000312778.5), dbSNP rs778543068, ClinGen allele CA7083202.

ClinVar aggregate classification (germline): Likely benign (1 of 4 stars; one submission).

Conditions:
Amyotrophic lateral sclerosis type 9 (ALS9). Identifiers: Orphanet 803, MedGen C2678468, MONDO:0012753, OMIM 611895.

Allele frequency attached by ClinVar (database versions not stated): gnomAD below 0.00001 and 0.00001; gnomAD exomes 0.00004 and 0.00005; ExAC 0.00009.
gnomAD v4.1: 63 of 1,613,960 alleles (0.0039%); highest among the groups gnomAD compares: South Asian, 0.064%; 1 homozygote.

Submission:

Illumina Laboratory Services, Illumina
Classification: Likely benign for Amyotrophic lateral sclerosis type 9. Last evaluated: 2018-01-13. Review status: criteria provided, single submitter. Criteria: ICSL Variant Classification Criteria 13 December 2019. Collection method: clinical testing. Allele origin: germline.
Comment: This variant was observed in the ICSL laboratory as part of a predisposition screen in an ostensibly healthy population. It had not been previously curated by ICSL or reported in the Human Gene Mutation Database (HGMD: prior to June 1st, 2018), and was therefore a candidate for classification through an automated scoring system. Utilizing variant allele frequency, disease prevalence and penetrance estimates, and inheritance mode, an automated score was calculated to assess if this variant is too frequent to cause the disease. Based on the score and internal cut-off values, a variant classified as likely benign is not then subjected to further curation. The score for this variant resulted in a classification of likely benign for this disease.